The following is an entry in ClinVar:

ClinVar aggregate classification (germline): Pathogenic/Likely pathogenic. Review status: criteria provided, multiple submitters, no conflicts (2 of 4 stars). 3 submissions from 3 submitters: Pathogenic (1); Likely pathogenic (1). 1 of the submissions does not count toward it. Last evaluated 2024-06-20.

Conditions:
Retinal dystrophy. Also called: Inherited retinal dystrophy. Identifiers: Orphanet 71862, MedGen C0854723, MeSH D058499, MONDO:0019118, HP:0000556.

Submissions (3):

Labcorp Genetics (formerly Invitae), Labcorp
Classification: Likely pathogenic. Last evaluated: 2024-06-20. Review status: criteria provided, single submitter. Criteria: Invitae Variant Classification Sherloc (09022015). Collection method: clinical testing. Allele origin: germline.
Comment: This sequence change affects a donor splice site in intron 2 of the ABCA4 gene. It is expected to disrupt RNA splicing. Variants that disrupt the donor or acceptor splice site typically lead to a loss of protein function (PMID: 16199547), and loss-of-function variants in ABCA4 are known to be pathogenic (PMID: 10958761, 24938718, 25312043, 26780318). This variant is not present in population databases (gnomAD no frequency). Disruption of this splice site has been observed in individual(s) with Stargardt disease (PMID: 11328725). ClinVar contains an entry for this variant (Variation ID: 99061). Algorithms developed to predict the effect of sequence changes on RNA splicing suggest that this variant may disrupt the consensus splice site. In summary, the currently available evidence indicates that the variant is pathogenic, but additional data are needed to prove that conclusively. Therefore, this variant has been classified as Likely Pathogenic.

Institute of Human Genetics, Univ. Regensburg, Univ. Regensburg
Classification: Pathogenic for Retinal dystrophy. Last evaluated: 2021-01-01. Review status: criteria provided, single submitter. Criteria: ACMG Guidelines, 2015. Collection method: clinical testing. Allele origin: germline. Affected: yes.

Retina International
No classification provided. Review status: no classification provided. Collection method: not provided. Allele origin: not provided. Not counted in ClinVar's aggregate classification.

Literature cited by the submitters: PubMed 16199547 (cited by Labcorp Genetics (formerly Invitae), Labcorp); PubMed 10958761 (cited by Labcorp Genetics (formerly Invitae), Labcorp); PubMed 24938718 (cited by Labcorp Genetics (formerly Invitae), Labcorp); PubMed 25312043 (cited by Labcorp Genetics (formerly Invitae), Labcorp); PubMed 26780318 (cited by Labcorp Genetics (formerly Invitae), Labcorp); PubMed 11328725 (cited by Labcorp Genetics (formerly Invitae), Labcorp and Institute of Human Genetics, Univ. Regensburg, Univ. Regensburg).

NM_000350.3(ABCA4):c.160+1G>A

Gene: ABCA4 (ATP binding cassette subfamily A member 4; minus strand). Cytogenetic location: 1p22.1.
Variant type: single nucleotide variant.
Coding change: c.160+1G>A on transcript NM_000350.3 (MANE Select); the canonical splice donor site of the intron after coding-DNA position 160, G replaced by A.
Molecular consequence: splice donor variant.
Genome position (GRCh38, 1-based): chr1:94,112,972, C>T on the plus strand (G>A on the coding strand, the complement: ABCA4 is on the minus strand). VCF-style: chr1-94112972-C-T. GRCh37 (hg19) VCF-style: chr1-94578528-C-T.
Identifiers: ClinVar variation 99061 (VCV000099061.5), dbSNP rs61748523, ClinGen allele CA226903.
Genomic context (GRCh38, chr1:94,112,972, plus strand): 5'-AGACAAAAGGCCCAGACCAAAGTCTCTTCAGGGCTTGCCCAAGCTACCCTGCTATGCTTA[C>T]ATTCATGATGGCTGTAGAGTGGGTTGGCATTCCTTAACCAGATCAAGACCAGAAATAAAG-3'